The following is an entry in ClinVar:

NM_005051.3(QARS1):c.151G>C (p.Ala51Pro)

Gene: QARS1 (glutaminyl-tRNA synthetase 1; minus strand). Cytogenetic location: 3p21.31.
Variant type: single nucleotide variant.
Coding change: c.151G>C on transcript NM_005051.3 (MANE Select); coding-DNA position 151, G replaced by C.
Protein change: p.Ala51Pro; replaces alanine 51 with proline.
Molecular consequence: missense variant. On other transcripts: non-coding transcript variant (1).
Genome position (GRCh38, 1-based): chr3:49,104,438, C>G on the plus strand (G>C on the coding strand, the complement: QARS1 is on the minus strand). VCF-style: chr3-49104438-C-G. GRCh37 (hg19) VCF-style: chr3-49141871-C-G.
Other names: c.151G>C, p.Ala51Pro (NM_001272073.2); short protein forms A51P.
Identifiers: ClinVar variation 1695826 (VCV001695826.2), dbSNP rs755697141, ClinGen allele CA352723071.
Genomic context (GRCh38, chr3:49,104,438, plus strand): 5'-AGGAGAGACGCCGGGTATCCCTGAGTCGGGAGGCCAAGCCATATAACAGGATCCCGGTAG[C>G]TTTGTCAATGGTGGAACCCAGGGTCTGCTGAGCCTGAGGTCAGAGGGGTCAAGAGAGAAG-3'
Protein context (NP_005042.1, residues 41-61): QQTLGSTIDK[Ala51Pro]TGILLYGLAS

ClinVar aggregate classification (germline): Uncertain significance (1 of 4 stars; one submission).

gnomAD v4.1: 2 of 1,614,172 alleles (0.00012%); highest among the groups gnomAD compares: Admixed American, 0.0033%; no homozygotes.

Submission:

GeneDx
Classification: Uncertain significance. Last evaluated: 2022-01-06. Review status: criteria provided, single submitter. Criteria: GeneDx Variant Classification Process June 2021. Collection method: clinical testing. Allele origin: germline. Affected: yes.
Comment: Not observed at significant frequency in large population cohorts (gnomAD); In silico analysis supports that this missense variant does not alter protein structure/function; Has not been previously published as pathogenic or benign to our knowledge; This variant is associated with the following publications: (PMID: 25471517)